The following is an entry in ClinVar:

NM_003560.4(PLA2G6):c.1213_1214del (p.Leu405fs)

Gene: PLA2G6 (phospholipase A2 group VI; minus strand). Cytogenetic location: 22q13.1.
Variant type: Microsatellite.
Coding change: c.1213_1214del on transcript NM_003560.4 (MANE Select); coding-DNA positions 1213 to 1214, 2 bases deleted (CT; older notation c.1213_1214delCT).
Protein change: p.Leu405fs; shifts the reading frame from leucine 405.
Molecular consequence: frameshift variant. On other transcripts: intron variant (5).
Genome position (GRCh38, 1-based): chr22:38,128,403-38,128,404, AG deleted on the plus strand (CT on the coding strand, the reverse complement: PLA2G6 is on the minus strand); deleting any 2 consecutive bases within chr22:38,128,403-38,128,406 gives the same sequence; the c. name uses the placement nearest the transcript's 3' end. VCF-style (leftmost placement, unchanged base first): chr22-38128402-CAG-C. GRCh37 (hg19) VCF-style: chr22-38524409-CAG-C.
Other names: c.1213_1214del (NM_003560.2); c.1213_1214del, p.Leu405fs (NM_001349864.2); c.679_680del, p.Leu227fs (NM_001349867.2); c.535_536del, p.Leu179fs (NM_001349868.2); c.1186+1050_1186+1051del (NM_001349866.2, NM_001199562.3, NM_001349865.2 and 1 more transcripts); c.652+1050_652+1051del (NM_001349869.2); short protein forms L227fs, L179fs, L405fs.
Identifiers: ClinVar variation 2741274 (VCV002741274.4), dbSNP rs1290554462, ClinGen allele CA639395957.

ClinVar aggregate classification (germline): Pathogenic/Likely pathogenic. Review status: criteria provided, multiple submitters, no conflicts (2 of 4 stars). 2 submissions from 2 submitters: Pathogenic (1); Likely pathogenic (1). Last evaluated 2025-01-07.

Conditions:
Infantile neuroaxonal dystrophy (NBIA2A). Also called: NEURODEGENERATION WITH BRAIN IRON ACCUMULATION 2A; SEITELBERGER DISEASE; Infantile neuroaxonal dystrophy 1. Identifiers: Orphanet 35069, MedGen C0270724, MONDO:0024457, OMIM 256600.

Submissions (2):

GeneDx
Classification: Likely pathogenic. Last evaluated: 2025-01-07. Review status: criteria provided, single submitter. Criteria: GeneDx Variant Classification Process June 2021. Collection method: clinical testing. Allele origin: germline. Affected: yes.
Comment: Frameshift variant predicted to result in protein truncation or nonsense mediated decay in a gene for which loss of function is a known mechanism of disease; Not observed at significant frequency in large population cohorts (gnomAD); Has not been previously published as pathogenic or benign to our knowledge

Labcorp Genetics (formerly Invitae), Labcorp
Classification: Pathogenic for Infantile neuroaxonal dystrophy. Last evaluated: 2024-04-10. Review status: criteria provided, single submitter. Criteria: Invitae Variant Classification Sherloc (09022015). Collection method: clinical testing. Allele origin: germline.
Comment: This sequence change creates a premature translational stop signal (p.Leu405Alafs*108) in the PLA2G6 gene. It is expected to result in an absent or disrupted protein product. Loss-of-function variants in PLA2G6 are known to be pathogenic (PMID: 16783378, 18570303, 18799783, 22213678). This variant is present in population databases (no rsID available, gnomAD 0.008%). This variant has not been reported in the literature in individuals affected with PLA2G6-related conditions. For these reasons, this variant has been classified as Pathogenic.

Literature cited by the submitters: PubMed 16783378 (cited by Labcorp Genetics (formerly Invitae), Labcorp); PubMed 18570303 (cited by Labcorp Genetics (formerly Invitae), Labcorp); PubMed 18799783 (cited by Labcorp Genetics (formerly Invitae), Labcorp); PubMed 22213678 (cited by Labcorp Genetics (formerly Invitae), Labcorp).